The following is an entry in ClinVar:

ClinVar aggregate classification (germline): Likely benign. Review status: criteria provided, multiple submitters, no conflicts (2 of 4 stars). 2 submissions from 2 submitters: Likely benign (2). Last evaluated 2025-08-29.

Conditions:
PCK2-related disorder. Also called: PCK2-related condition.

Allele frequency attached by ClinVar (database versions not stated): gnomAD exomes 0.00016; ExAC 0.00065; gnomAD 0.00114; TOPMed 0.00138; ESP Exome Variant Server 0.00185; 1000 Genomes Project 0.00220; 1000 Genomes Project 30x 0.00297.
gnomAD v4.1: 419 of 1,614,060 alleles (0.026%); highest among the groups gnomAD compares: African/African-American, 0.37%; no homozygotes.

Submissions (2):

Labcorp Genetics (formerly Invitae), Labcorp
Classification: Likely benign. Last evaluated: 2025-08-29. Review status: criteria provided, single submitter. Criteria: Invitae Variant Classification Sherloc (09022015). Collection method: clinical testing. Allele origin: germline.

PreventionGenetics, part of Exact Sciences
Classification: Likely benign for PCK2-related condition. Last evaluated: 2025-08-05. Review status: criteria provided, single submitter. Criteria: ACMG Guidelines, 2015. Collection method: clinical testing. Allele origin: germline.
Comment: This variant is classified as likely benign based on ACMG/AMP sequence variant interpretation guidelines (Richards et al. 2015 PMID: 25741868, with internal and published modifications).

NM_004563.4(PCK2):c.368C>T (p.Pro123Leu)

Genes: PCK2 (phosphoenolpyruvate carboxykinase 2, mitochondrial; plus strand), NRL (neural retina leucine zipper; minus strand). Cytogenetic location: 14q11.2.
Variant type: single nucleotide variant.
Coding change: c.368C>T on transcript NM_004563.4 (MANE Select); coding-DNA position 368, C replaced by T.
Protein change: p.Pro123Leu; replaces proline 123 with leucine.
Molecular consequence: missense variant. On other transcripts: 5 prime UTR variant (2), intron variant (3).
Genome position (GRCh38, 1-based): chr14:24,098,295, C>T. VCF-style: chr14-24098295-C-T. GRCh37 (hg19) VCF-style: chr14-24567504-C-T.
Other names: c.368C>T, p.Pro123Leu (NM_001018073.3); c.-35C>T (NM_001291556.2, NM_001308054.2); c.-27-15420G>A (NM_001354768.3, NM_001354770.2); c.-253-13550G>A (NM_006177.5); c.368C>T (NM_004563.3); short protein forms P123L.
Identifiers: ClinVar variation 2042931 (VCV002042931.5), dbSNP rs140683877, ClinGen allele CA7123104.